The following is an entry in ClinVar:

ClinVar aggregate classification (germline): Uncertain significance (1 of 4 stars; one submission).

Conditions:
Facioscapulohumeral muscular dystrophy 2 (FSHD2). Also called: MUSCULAR DYSTROPHY, FACIOSCAPULOHUMERAL, TYPE 1B; FACIOSCAPULOHUMERAL MUSCULAR DYSTROPHY 2, DIGENIC; FSHD2, DIGENIC. Identifiers: Orphanet 269, MedGen C1834671, MONDO:0008031, OMIM 158901.

gnomAD v4.1: 1 of 1,608,274 alleles (0.000062%); highest among the groups gnomAD compares: African/African-American, 0.0013%; no homozygotes.

Submission:

Labcorp Genetics (formerly Invitae), Labcorp
Classification: Uncertain significance for Facioscapulohumeral muscular dystrophy 2. Last evaluated: 2023-02-16. Review status: criteria provided, single submitter. Criteria: Invitae Variant Classification Sherloc (09022015). Collection method: clinical testing. Allele origin: germline.
Comment: This variant is not present in population databases (gnomAD no frequency). This sequence change replaces valine, which is neutral and non-polar, with leucine, which is neutral and non-polar, at codon 1566 of the SMCHD1 protein (p.Val1566Leu). This variant has not been reported in the literature in individuals affected with SMCHD1-related conditions. Advanced modeling of protein sequence and biophysical properties (such as structural, functional, and spatial information, amino acid conservation, physicochemical variation, residue mobility, and thermodynamic stability) performed at Invitae indicates that this missense variant is not expected to disrupt SMCHD1 protein function. In summary, the available evidence is currently insufficient to determine the role of this variant in disease. Therefore, it has been classified as a Variant of Uncertain Significance.

NM_015295.3(SMCHD1):c.4696G>T (p.Val1566Leu)

Gene: SMCHD1 (structural maintenance of chromosomes flexible hinge domain containing 1; plus strand). Cytogenetic location: 18p11.32.
Variant type: single nucleotide variant.
Coding change: c.4696G>T on transcript NM_015295.3 (MANE Select); coding-DNA position 4696, G replaced by T.
Protein change: p.Val1566Leu; replaces valine 1566 with leucine.
Molecular consequence: missense variant.
Genome position (GRCh38, 1-based): chr18:2,763,766, G>T. VCF-style: chr18-2763766-G-T. GRCh37 (hg19) VCF-style: chr18-2763764-G-T.
Other names: short protein forms V1566L.
Identifiers: ClinVar variation 2800315 (VCV002800315.3), dbSNP rs569043880, ClinGen allele CA401697511.